The following is an entry in ClinVar:

NM_000455.5(STK11):c.613G>T (p.Ala205Ser)

Gene: STK11 (serine/threonine kinase 11; plus strand). Cytogenetic location: 19p13.3.
Variant type: single nucleotide variant.
Coding change: c.613G>T on transcript NM_000455.5 (MANE Select); coding-DNA position 613, G replaced by T.
Protein change: p.Ala205Ser; replaces alanine 205 with serine.
Molecular consequence: missense variant.
Genome position (GRCh38, 1-based): chr19:1,220,596, G>T. VCF-style: chr19-1220596-G-T. GRCh37 (hg19) VCF-style: chr19-1220595-G-T.
Other names: short protein forms A205S.
Identifiers: ClinVar variation 1393991 (VCV001393991.6), dbSNP rs730881981, ClinGen allele CA402949446.

ClinVar aggregate classification (germline): Uncertain significance (1 of 4 stars; one submission).

Conditions:
Peutz-Jeghers syndrome (PJS). Also called: Peutz-Jeghers polyposis; Periorificial lentiginosis syndrome; POLYPOSIS, HAMARTOMATOUS INTESTINAL; POLYPS-AND-SPOTS SYNDROME. Identifiers: Orphanet 2869, MedGen C0031269, MeSH D010580, MONDO:0008280, OMIM 175200.

Submission:

Labcorp Genetics (formerly Invitae), Labcorp
Classification: Uncertain significance for Peutz-Jeghers syndrome. Last evaluated: 2021-11-19. Review status: criteria provided, single submitter. Criteria: Invitae Variant Classification Sherloc (09022015). Collection method: clinical testing. Allele origin: germline.
Comment: In summary, the available evidence is currently insufficient to determine the role of this variant in disease. Therefore, it has been classified as a Variant of Uncertain Significance. Advanced modeling of experimental studies (such as gene expression, population dynamics, functional pathways, and cell-cycle effects in cell culture) performed at Invitae indicates that this missense variant is not expected to disrupt STK11 protein function. This variant has not been reported in the literature in individuals affected with STK11-related conditions. This variant is not present in population databases (gnomAD no frequency). This sequence change replaces alanine, which is neutral and non-polar, with serine, which is neutral and polar, at codon 205 of the STK11 protein (p.Ala205Ser).